The following is an entry in ClinVar:

NM_001202.6(BMP4):c.-87C>T

Gene: BMP4 (bone morphogenetic protein 4; minus strand). Cytogenetic location: 14q22.2.
Variant type: single nucleotide variant.
Coding change: c.-87C>T on transcript NM_001202.6 (MANE Select); 87 bases upstream of the start codon, C replaced by T.
Molecular consequence: 5 prime UTR variant. On other transcripts: synonymous variant (1).
Genome position (GRCh38, 1-based): chr14:53,953,355, G>A on the plus strand (C>T on the coding strand, the complement: BMP4 is on the minus strand). VCF-style: chr14-53953355-G-A. GRCh37 (hg19) VCF-style: chr14-54420073-G-A.
Other names: c.108C>T, p.Phe36= (NM_001347912.1); c.-223C>T (NM_001347913.2, NM_001347915.2, NM_001347917.1); c.-87C>T (NM_001347914.2, NM_001347916.1, NM_130850.5 and 1 more transcripts).
Identifiers: ClinVar variation 3034612 (VCV003034612.3), dbSNP rs184160019, ClinGen allele CA261472915.

ClinVar aggregate classification (germline): Likely benign. Review status: criteria provided, single submitter (1 of 4 stars). 2 submissions from 2 submitters: Likely benign (1). 1 of the submissions does not count toward it. Last evaluated 2024-09-18.

Conditions:
BMP4-related disorder. Also called: BMP4-related condition.

Allele frequency attached by ClinVar (database versions not stated): gnomAD exomes 0.00061; 1000 Genomes Project 30x 0.00203; 1000 Genomes Project 0.00220; gnomAD 0.00383; TOPMed 0.00428.
gnomAD v4.1: 735 of 399,284 alleles (0.18%); highest among the groups gnomAD compares: African/African-American, 1.4%; 8 homozygotes.

Submissions (2):

Blueprint Genetics
Classification: Likely benign. Last evaluated: 2024-09-18. Review status: criteria provided, single submitter. Criteria: ACMG Guidelines, 2015. Collection method: clinical testing. Allele origin: germline.

PreventionGenetics, part of Exact Sciences
Classification: Benign for BMP4-related condition. Last evaluated: 2019-03-18. Review status: no assertion criteria provided. Collection method: clinical testing. Allele origin: germline. Not counted in ClinVar's aggregate classification.
Comment: This variant is classified as benign based on ACMG/AMP sequence variant interpretation guidelines (Richards et al. 2015 PMID: 25741868, with internal and published modifications).